The following is an entry in ClinVar:

ClinVar aggregate classification (germline): Pathogenic/Likely pathogenic. Review status: criteria provided, multiple submitters, no conflicts (2 of 4 stars). 2 submissions from 2 submitters: Pathogenic (1); Likely pathogenic (1). Last evaluated 2025-10-16.

Conditions:
Hereditary cancer-predisposing syndrome. Also called: Hereditary Cancer Syndrome; Hereditary neoplastic syndrome; Neoplastic Syndromes, Hereditary; Tumor predisposition. Identifiers: Orphanet 140162, MedGen C0027672, MeSH D009386, MONDO:0015356.

Submissions (2):

Institute of Human Genetics, FAU Erlangen, Friedrich-Alexander-Universität Erlangen-Nürnberg
Classification: Likely pathogenic. Last evaluated: 2025-10-16. Review status: criteria provided, single submitter. Criteria: Hauer et al. (Genet Med. 2018). Collection method: clinical testing. Allele origin: germline. Inheritance: Unknown mechanism. Affected: yes. Observed: 1 variant allele.
Comment: This variant has been identified by standard clinical testing. Selected ACMG criteria: Likely pathogenic (I):PM2;PVS1

Ambry Genetics
Classification: Pathogenic for Hereditary cancer-predisposing syndrome. Last evaluated: 2018-10-25. Review status: criteria provided, single submitter. Criteria: Ambry Variant Classification Scheme 2023. Collection method: clinical testing. Allele origin: germline.
Comment: The p.E438* pathogenic mutation (also known as c.1312G>T), located in coding exon 9 of the BRCA1 gene, results from a G to T substitution at nucleotide position 1312. This changes the amino acid from a glutamic acid to a stop codon within coding exon 9. This alteration is expected to result in loss of function by premature protein truncation or nonsense-mediated mRNA decay. As such, this alteration is interpreted as a disease-causing mutation.

Literature cited by the submitters: PubMed 26479420 (cited by Ambry Genetics).

NM_007294.4(BRCA1):c.1312G>T (p.Glu438Ter)

Gene: BRCA1 (BRCA1 DNA repair associated; minus strand). Cytogenetic location: 17q21.31.
Variant type: single nucleotide variant.
Coding change: c.1312G>T on transcript NM_007294.4 (MANE Select); coding-DNA position 1312, G replaced by T.
Protein change: p.Glu438Ter; replaces glutamic acid 438 with a stop codon.
Molecular consequence: nonsense. On other transcripts: intron variant (137).
Genome position (GRCh38, 1-based): chr17:43,094,219, C>A on the plus strand (G>T on the coding strand, the complement: BRCA1 is on the minus strand). VCF-style: chr17-43094219-C-A. GRCh37 (hg19) VCF-style: chr17-41246236-C-A.
Other names: c.1171G>T, p.Glu391Ter (NM_001407736.1, NM_001407737.1, NM_001407738.1 and 29 more transcripts); c.1168G>T, p.Glu390Ter (NM_001407740.1, NM_001407741.1, NM_001407742.1 and 20 more transcripts); c.1099G>T, p.Glu367Ter (NM_001407853.1, NM_001407894.1, NM_001407895.1 and 9 more transcripts); c.1312G>T, p.Glu438Ter (NM_001407854.1, NM_001407858.1, NM_001407859.1 and 30 more transcripts); c.1309G>T, p.Glu437Ter (NM_001407860.1, NM_001407861.1, NM_001407587.1 and 22 more transcripts); c.1111G>T, p.Glu371Ter (NM_001407862.1); c.1189G>T, p.Glu397Ter (NM_001407863.1, NM_001407919.1, NM_001407937.1 and 19 more transcripts); c.1108G>T, p.Glu370Ter (NM_001407874.1, NM_001407875.1); and 40 more; short protein forms E270*, E367*, E327*, E368*, E371*, E142*, E310*, E349*.
Identifiers: ClinVar variation 1769706 (VCV001769706.3), dbSNP rs2154459453, ClinGen allele CA10599427.